The following is an entry in ClinVar:

ClinVar aggregate classification (germline): Uncertain significance. Review status: criteria provided, multiple submitters, no conflicts (2 of 4 stars). 2 submissions from 2 submitters: Uncertain significance (2). Last evaluated 2025-12-16.

Conditions:
Developmental and epileptic encephalopathy, 58. Also called: EPILEPTIC ENCEPHALOPATHY, EARLY INFANTILE, 58. Identifiers: MedGen C4693367, MONDO:0033367, OMIM 617830.

Submissions (2):

3billion
Classification: Uncertain significance for Developmental and epileptic encephalopathy, 58. Last evaluated: 2025-12-16. Review status: criteria provided, single submitter. Criteria: ACMG Guidelines, 2015. Collection method: clinical testing. Allele origin: germline. Affected: yes.
Comment: The variant is not observed in the gnomAD v4.1.0 dataset. Predicted Consequence/Location: Missense variant. Missense changes are a common disease-causing mechanism. In silico tool predictions suggest damaging effect of the variant on gene or gene product [3Cnet: 0.94 (> 0.75, sensitivity 0.96 and precision 0.92)]. The variant has been reported as of uncertain significance (ClinVar ID: VCV001347109). Different missense changes at the same codon have been reported as of uncertain significance (ClinVar ID: VCV001718232, VCV002177955). Therefore, this variant is classified as VUS according to the recommendation of ACMG/AMP guideline.

Labcorp Genetics (formerly Invitae), Labcorp
Classification: Uncertain significance. Last evaluated: 2022-08-10. Review status: criteria provided, single submitter. Criteria: Invitae Variant Classification Sherloc (09022015). Collection method: clinical testing. Allele origin: germline.
Comment: This sequence change replaces threonine, which is neutral and polar, with isoleucine, which is neutral and non-polar, at codon 410 of the NTRK2 protein (p.Thr410Ile). In summary, the available evidence is currently insufficient to determine the role of this variant in disease. Therefore, it has been classified as a Variant of Uncertain Significance. Advanced modeling of protein sequence and biophysical properties (such as structural, functional, and spatial information, amino acid conservation, physicochemical variation, residue mobility, and thermodynamic stability) performed at Invitae indicates that this missense variant is expected to disrupt NTRK2 protein function. ClinVar contains an entry for this variant (Variation ID: 1347109). This variant has not been reported in the literature in individuals affected with NTRK2-related conditions. This variant is not present in population databases (gnomAD no frequency).

NM_006180.6(NTRK2):c.1229C>T (p.Thr410Ile)

Gene: NTRK2 (neurotrophic receptor tyrosine kinase 2; plus strand). Cytogenetic location: 9q21.33.
Variant type: single nucleotide variant.
Coding change: c.1229C>T on transcript NM_006180.6 (MANE Select); coding-DNA position 1229, C replaced by T.
Protein change: p.Thr410Ile; replaces threonine 410 with isoleucine.
Molecular consequence: missense variant.
Genome position (GRCh38, 1-based): chr9:84,745,006, C>T. VCF-style: chr9-84745006-C-T. GRCh37 (hg19) VCF-style: chr9-87359921-C-T.
Other names: c.1229C>T, p.Thr410Ile (NM_001018064.3, NM_001018065.2, NM_001018066.3 and 15 more transcripts); c.1190C>T, p.Thr397Ile (NM_001291937.2, NM_001369546.1); c.1193C>T, p.Thr398Ile (NM_001369534.1); c.761C>T, p.Thr254Ile (NM_001369535.1, NM_001369536.1, NM_001369550.1 and 2 more transcripts); short protein forms T254I, T398I, T397I, T410I.
Identifiers: ClinVar variation 1347109 (VCV001347109.7), dbSNP rs774034569, ClinGen allele CA374006789.